The following is an entry in ClinVar:

NM_152415.3(VPS37A):c.163C>A (p.Pro55Thr)

Gene: VPS37A (VPS37A subunit of ESCRT-I; plus strand). Cytogenetic location: 8p22.
Variant type: single nucleotide variant.
Coding change: c.163C>A on transcript NM_152415.3 (MANE Select); coding-DNA position 163, C replaced by A.
Protein change: p.Pro55Thr; replaces proline 55 with threonine.
Molecular consequence: missense variant. On other transcripts: 5 prime UTR variant (5), intron variant (1).
Genome position (GRCh38, 1-based): chr8:17,265,944, C>A. VCF-style: chr8-17265944-C-A. GRCh37 (hg19) VCF-style: chr8-17123453-C-A.
Other names: c.163C>A, p.Pro55Thr (NM_001363167.1, NM_001363173.2); c.-108C>A (NM_001363168.1, NM_001363169.1, NM_001363170.1 and 2 more transcripts); c.126-2314C>A (NM_001145152.2); short protein forms P55T.
Identifiers: ClinVar variation 2726718 (VCV002726718.3), dbSNP rs757425536, ClinGen allele CA4643193.

ClinVar aggregate classification (germline): Uncertain significance (1 of 4 stars; one submission).

Conditions:
Hereditary spastic paraplegia 53. Also called: Spastic paraplegia 53, autosomal recessive. Identifiers: Orphanet 319199, MedGen C3539494, MONDO:0013962, OMIM 614898.

Allele frequency attached by ClinVar (database versions not stated): gnomAD 0.00001; TOPMed below 0.00001; ExAC 0.00003.
gnomAD v4.1: 7 of 1,613,064 alleles (0.00043%); highest among the groups gnomAD compares: Admixed American, 0.012%; no homozygotes.

Submission:

Labcorp Genetics (formerly Invitae), Labcorp
Classification: Uncertain significance for Hereditary spastic paraplegia 53. Last evaluated: 2025-09-12. Review status: criteria provided, single submitter. Criteria: Invitae Variant Classification Sherloc (09022015). Collection method: clinical testing. Allele origin: germline.
Comment: This sequence change replaces proline, which is neutral and non-polar, with threonine, which is neutral and polar, at codon 55 of the VPS37A protein (p.Pro55Thr). This variant is present in population databases (rs757425536, gnomAD 0.02%). This variant has not been reported in the literature in individuals affected with VPS37A-related conditions. ClinVar contains an entry for this variant (Variation ID: 2726718). Invitae Evidence Modeling of protein sequence and biophysical properties (such as structural, functional, and spatial information, amino acid conservation, physicochemical variation, residue mobility, and thermodynamic stability) indicates that this missense variant is not expected to disrupt VPS37A protein function with a negative predictive value of 80%. In summary, the available evidence is currently insufficient to determine the role of this variant in disease. Therefore, it has been classified as a Variant of Uncertain Significance.